The following is an entry in ClinVar:

NM_015072.5(TTLL5):c.1310C>T (p.Ala437Val)

Gene: TTLL5 (tubulin tyrosine ligase like 5; plus strand). Cytogenetic location: 14q24.3.
Variant type: single nucleotide variant.
Coding change: c.1310C>T on transcript NM_015072.5 (MANE Select); coding-DNA position 1310, C replaced by T.
Protein change: p.Ala437Val; replaces alanine 437 with valine.
Molecular consequence: missense variant.
Genome position (GRCh38, 1-based): chr14:75,745,123, C>T. VCF-style: chr14-75745123-C-T. GRCh37 (hg19) VCF-style: chr14-76211466-C-T.
Other names: short protein forms A437V.
Identifiers: ClinVar variation 953529 (VCV000953529.9), dbSNP rs112023579, ClinGen allele CA7279346.
Genomic context (GRCh38, chr14:75,745,123, plus strand): 5'-TTTTTTTACTATTTTCATTTTCTTCTCCTTAGCGTTGCCGTCCACTCTCTGCCAGTGATG[C>T]GGAAATGAAAAACCTCGTGGGCTCAGCCCGGGAGAAAGGGCCAGGGAAGTTGGGTGGTTC-3'
Protein context (NP_055887.3, residues 427-447): QRCRPLSASD[Ala437Val]EMKNLVGSAR

ClinVar aggregate classification (germline): Uncertain significance. Review status: criteria provided, multiple submitters, no conflicts (2 of 4 stars). 3 submissions from 3 submitters: Uncertain significance (2). 1 of the submissions does not count toward it. Last evaluated 2025-04-28.

Conditions:
TTLL5-related disorder. Also called: TTLL5-related condition.

Allele frequency attached by ClinVar (database versions not stated): gnomAD exomes 0.00004 and 0.00007; ESP Exome Variant Server 0.00015; 1000 Genomes Project 30x 0.00016; gnomAD 0.00016; 1000 Genomes Project 0.00020; TOPMed 0.00020; ExAC 0.00004.
gnomAD v4.1: 111 of 1,613,752 alleles (0.0069%); highest among the groups gnomAD compares: African/African-American, 0.075%; 1 homozygote.

Submissions (3):

Labcorp Genetics (formerly Invitae), Labcorp
Classification: Uncertain significance. Last evaluated: 2025-04-28. Review status: criteria provided, single submitter. Criteria: Invitae Variant Classification Sherloc (09022015). Collection method: clinical testing. Allele origin: germline.
Comment: This sequence change replaces alanine, which is neutral and non-polar, with valine, which is neutral and non-polar, at codon 437 of the TTLL5 protein (p.Ala437Val). This variant is present in population databases (rs112023579, gnomAD 0.06%). This variant has not been reported in the literature in individuals affected with TTLL5-related conditions. ClinVar contains an entry for this variant (Variation ID: 953529). Invitae Evidence Modeling of protein sequence and biophysical properties (such as structural, functional, and spatial information, amino acid conservation, physicochemical variation, residue mobility, and thermodynamic stability) indicates that this missense variant is not expected to disrupt TTLL5 protein function with a negative predictive value of 80%. In summary, the available evidence is currently insufficient to determine the role of this variant in disease. Therefore, it has been classified as a Variant of Uncertain Significance.

Breakthrough Genomics
Classification: Uncertain significance. Review status: criteria provided, single submitter. Criteria: ACMG Guidelines, 2015. Collection method: not provided. Allele origin: germline. Inheritance: Autosomal recessive inheritance. Affected: yes.

PreventionGenetics, part of Exact Sciences
Classification: Uncertain significance for TTLL5-related condition. Last evaluated: 2024-09-20. Review status: no assertion criteria provided. Collection method: clinical testing. Allele origin: germline. Not counted in ClinVar's aggregate classification.
Comment: The TTLL5 c.1310C>T variant is predicted to result in the amino acid substitution p.Ala437Val. To our knowledge, this variant has not been reported in the literature. This variant is reported in 0.056% of alleles in individuals of African descent in gnomAD. Although we suspect that this variant may be benign, at this time, the clinical significance of this variant is uncertain due to the absence of conclusive functional and genetic evidence.